The following is an entry in ClinVar:

NM_018112.3(TMEM38B):c.452G>A (p.Arg151Gln)

Gene: TMEM38B (transmembrane protein 38B; plus strand). Cytogenetic location: 9q31.2.
Variant type: single nucleotide variant.
Coding change: c.452G>A on transcript NM_018112.3 (MANE Select); coding-DNA position 452, G replaced by A.
Protein change: p.Arg151Gln; replaces arginine 151 with glutamine.
Molecular consequence: missense variant.
Genome position (GRCh38, 1-based): chr9:105,721,719, G>A. VCF-style: chr9-105721719-G-A. GRCh37 (hg19) VCF-style: chr9-108484000-G-A.
Other names: short protein forms R151Q.
Identifiers: ClinVar variation 736066 (VCV000736066.14), dbSNP rs112613378, ClinGen allele CA5170869.

ClinVar aggregate classification (germline): Likely benign. Review status: criteria provided, multiple submitters, no conflicts (2 of 4 stars). 4 submissions from 4 submitters: Likely benign (4). Last evaluated 2026-01-20.

Allele frequency attached by ClinVar (database versions not stated): gnomAD exomes 0.00035; ExAC 0.00046; 1000 Genomes Project 0.00060; 1000 Genomes Project 30x 0.00062; gnomAD 0.00133 and 0.00148; TOPMed 0.00144; ESP Exome Variant Server 0.00177.
gnomAD v4.1: 371 of 1,607,154 alleles (0.023%); highest among the groups gnomAD compares: African/African-American, 0.42%; 2 homozygotes.

Submissions (4):

Labcorp Genetics (formerly Invitae), Labcorp
Classification: Likely benign. Last evaluated: 2026-01-20. Review status: criteria provided, single submitter. Criteria: Invitae Variant Classification Sherloc (09022015). Collection method: clinical testing. Allele origin: germline.

Women's Health and Genetics/Laboratory Corporation of America, LabCorp
Classification: Likely benign. Last evaluated: 2024-02-22. Review status: criteria provided, single submitter. Criteria: LabCorp Variant Classification Summary - May 2015. Collection method: clinical testing. Allele origin: germline.
Comment: Variant summary: TMEM38B c.452G>A (p.Arg151Gln) results in a conservative amino acid change in the encoded protein sequence. Three of five in-silico tools predict a damaging effect of the variant on protein function. This variant is located close to a splice-site, therefore might also affect splicing. Consensus agreement among computation tools predict no significant impact on normal splicing. However, these predictions have yet to be confirmed by functional studies. The variant allele was found at a frequency of 0.00023 in 1600226 control chromosomes, predominantly at a frequency of 0.0042 within the African or African-American subpopulation in the gnomAD database (v4.0 dataset), including 2 homozygotes. The observed variant frequency within African or African-American control individuals in the gnomAD database is approximately 4-fold of the estimated maximal expected allele frequency for a pathogenic variant in TMEM38B causing Osteogenesis Imperfecta phenotype (0.0011), strongly suggesting that the variant is a benign polymorphism found primarily in populations of African or African-American origin. To our knowledge, no occurrence of c.452G>A in individuals affected with Osteogenesis Imperfecta and no experimental evidence demonstrating its impact on protein function have been reported. ClinVar contains an entry for this variant (Variation ID: 736066). Based on the evidence outlined above, the variant was classified as likely benign.

GeneDx
Classification: Likely benign. Last evaluated: 2020-05-13. Review status: criteria provided, single submitter. Criteria: GeneDx Variant Classification Process June 2021. Collection method: clinical testing. Allele origin: germline. Affected: yes.

Breakthrough Genomics
Classification: Likely benign. Review status: criteria provided, single submitter. Criteria: ACMG Guidelines, 2015. Collection method: not provided. Allele origin: germline. Inheritance: Autosomal recessive inheritance. Affected: yes.